The following is an entry in ClinVar:

ClinVar aggregate classification (germline): Pathogenic. Review status: criteria provided, multiple submitters, no conflicts (2 of 4 stars). 3 submissions from 3 submitters: Pathogenic (2). 1 of the submissions does not count toward it. Last evaluated 2025-06-09.

Conditions:
Tuberous sclerosis 2 (TSC2). Identifiers: Orphanet 805, MedGen C1860707, MONDO:0013199, OMIM 613254.
Tuberous sclerosis syndrome (TSC). Also called: Tuberous Sclerosis Complex; Tuberous sclerosis. Identifiers: Orphanet 805, MedGen C0041341, MONDO:0001734.

Submissions (3):

Labcorp Genetics (formerly Invitae), Labcorp
Classification: Pathogenic for Tuberous sclerosis 2. Last evaluated: 2025-06-09. Review status: criteria provided, single submitter. Criteria: Invitae Variant Classification Sherloc (09022015). Collection method: clinical testing. Allele origin: germline.
Comment: This sequence change creates a premature translational stop signal (p.Trp1610*) in the TSC2 gene. It is expected to result in an absent or disrupted protein product. Loss-of-function variants in TSC2 are known to be pathogenic (PMID: 10205261, 17304050). This variant is not present in population databases (gnomAD no frequency). This premature translational stop signal has been observed in individual(s) with tuberous sclerosis complex (PMID: 16877242, 29932062, 32313033). In at least one individual the variant was observed to be de novo. ClinVar contains an entry for this variant (Variation ID: 49323). For these reasons, this variant has been classified as Pathogenic.

GeneDx
Classification: Pathogenic. Last evaluated: 2016-10-13. Review status: criteria provided, single submitter. Criteria: GeneDx Variant Classification (06012015). Collection method: clinical testing. Allele origin: germline. Affected: yes.
Comment: The W1610X pathogenic variant in the TSC2 gene has been reported in an infant with cardiac rhabdomyomas and cerebral subependymal tubers (Chen et al., 2006). This variant is predicted to cause loss of normal protein function either through protein truncation or nonsense-mediated mRNA decay. The W1610X variant was not observed in approximately 6500 individuals of European and African American ancestry in the NHLBI Exome Sequencing Project, indicating it is not a common benign variant in these populations. We interpret W1610X as a pathogenic variant.

Tuberous sclerosis database (TSC2)
No classification provided. Condition: TSC. Review status: no classification provided. Criteria: Tuberous Sclerosis Database Assertion Criteria 2015. Collection method: curation. Allele origin: germline. Affected: yes. Not counted in ClinVar's aggregate classification.

Literature cited by the submitters: PubMed 10205261 (cited by Labcorp Genetics (formerly Invitae), Labcorp); PubMed 17304050 (cited by Labcorp Genetics (formerly Invitae), Labcorp); PubMed 16877242 (cited by Labcorp Genetics (formerly Invitae), Labcorp); PubMed 29932062 (cited by Labcorp Genetics (formerly Invitae), Labcorp); PubMed 32313033 (cited by Labcorp Genetics (formerly Invitae), Labcorp).

NM_000548.5(TSC2):c.4829G>A (p.Trp1610Ter)

Gene: TSC2 (TSC complex subunit 2; plus strand). Cytogenetic location: 16p13.3.
Variant type: single nucleotide variant.
Coding change: c.4829G>A on transcript NM_000548.5 (MANE Select); coding-DNA position 4829, G replaced by A.
Protein change: p.Trp1610Ter; replaces tryptophan 1610 with a stop codon.
Molecular consequence: nonsense.
Genome position (GRCh38, 1-based): chr16:2,086,359, G>A. VCF-style: chr16-2086359-G-A. GRCh37 (hg19) VCF-style: chr16-2136360-G-A.
Other names: c.4628G>A, p.Trp1543Ter (NM_001077183.3); c.4760G>A, p.Trp1587Ter (NM_001114382.3); c.4520G>A, p.Trp1507Ter (NM_001318827.2); c.4484G>A, p.Trp1495Ter (NM_001318829.2); c.4097G>A, p.Trp1366Ter (NM_001318831.2); c.4661G>A, p.Trp1554Ter (NM_001318832.2); c.4631G>A, p.Trp1544Ter (NM_001363528.2); c.4697G>A, p.Trp1566Ter (NM_001370404.1); and 1 more; short protein forms W1610*, W1543*, W1554*, W1366*, W1495*, W1587*, W1507*, W1567*.
Identifiers: ClinVar variation 49323 (VCV000049323.7), dbSNP rs45517371, ClinGen allele CA021071.